The following is an entry in ClinVar:

NM_000350.3(ABCA4):c.4129A>T (p.Ile1377Phe)

Gene: ABCA4 (ATP binding cassette subfamily A member 4; minus strand). Cytogenetic location: 1p22.1.
Variant type: single nucleotide variant.
Coding change: c.4129A>T on transcript NM_000350.3 (MANE Select); coding-DNA position 4129, A replaced by T.
Protein change: p.Ile1377Phe; replaces isoleucine 1377 with phenylalanine.
Molecular consequence: missense variant.
Genome position (GRCh38, 1-based): chr1:94,031,120, T>A on the plus strand (A>T on the coding strand, the complement: ABCA4 is on the minus strand). VCF-style: chr1-94031120-T-A. GRCh37 (hg19) VCF-style: chr1-94496676-T-A.
Other names: c.3907A>T, p.Ile1303Phe (NM_001425324.1); short protein forms I1377F, I1303F.
Identifiers: ClinVar variation 2765238 (VCV002765238.3), dbSNP rs1327707460, ClinGen allele CA341286531.

ClinVar aggregate classification (germline): Uncertain significance (1 of 4 stars; one submission).

Submission:

Labcorp Genetics (formerly Invitae), Labcorp
Classification: Uncertain significance. Last evaluated: 2023-10-04. Review status: criteria provided, single submitter. Criteria: Invitae Variant Classification Sherloc (09022015). Collection method: clinical testing. Allele origin: germline.
Comment: This sequence change replaces isoleucine, which is neutral and non-polar, with phenylalanine, which is neutral and non-polar, at codon 1377 of the ABCA4 protein (p.Ile1377Phe). This variant is not present in population databases (gnomAD no frequency). This variant has not been reported in the literature in individuals affected with ABCA4-related conditions. An algorithm developed to predict the effect of missense changes on protein structure and function (PolyPhen-2) suggests that this variant is likely to be disruptive. Algorithms developed to predict the effect of sequence changes on RNA splicing suggest that this variant may disrupt the consensus splice site. In summary, the available evidence is currently insufficient to determine the role of this variant in disease. Therefore, it has been classified as a Variant of Uncertain Significance.